The following is an entry in ClinVar:

ClinVar aggregate classification (germline): Benign. Review status: criteria provided, multiple submitters, no conflicts (2 of 4 stars). 6 submissions from 6 submitters: Benign (6). Last evaluated 2026-02-04.

Conditions:
Pontoneocerebellar hypoplasia. Also called: Non-syndromic pontocerebellar hypoplasia; Pontocerebellar hypoplasia. Identifiers: Orphanet 98523, MedGen C1261175, MONDO:0020135.

Allele frequency attached by ClinVar (database versions not stated): ExAC 0.03816; gnomAD 0.06497 and 0.06643; TOPMed 0.07268; 1000 Genomes Project 0.09345; 1000 Genomes Project 30x 0.09650; gnomAD exomes 0.02172 and 0.03545; ESP Exome Variant Server 0.06289.

Submissions (6):

Labcorp Genetics (formerly Invitae), Labcorp
Classification: Benign. Last evaluated: 2026-02-04. Review status: criteria provided, single submitter. Criteria: Invitae Variant Classification Sherloc (09022015). Collection method: clinical testing. Allele origin: germline.

Illumina Laboratory Services, Illumina
Classification: Benign for Pontoneocerebellar hypoplasia. Last evaluated: 2018-01-13. Review status: criteria provided, single submitter. Criteria: ICSL Variant Classification Criteria 13 December 2019. Collection method: clinical testing. Allele origin: germline.
Comment: This variant was observed in the ICSL laboratory as part of a predisposition screen in an ostensibly healthy population. It had not been previously curated by ICSL or reported in the Human Gene Mutation Database (HGMD: prior to June 1st, 2018), and was therefore a candidate for classification through an automated scoring system. Utilizing variant allele frequency, disease prevalence and penetrance estimates, and inheritance mode, an automated score was calculated to assess if this variant is too frequent to cause the disease. Based on the score and internal cut-off values, a variant classified as benign is not then subjected to further curation. The score for this variant resulted in a classification of benign for this disease.

GeneDx
Classification: Benign. Last evaluated: 2014-06-04. Review status: criteria provided, single submitter. Criteria: GeneDx Variant Classification (06012015). Collection method: clinical testing. Allele origin: germline. Affected: yes.
Comment: This variant is considered likely benign or benign based on one or more of the following criteria: it is a conservative change, it occurs at a poorly conserved position in the protein, it is predicted to be benign by multiple in silico algorithms, and/or has population frequency not consistent with disease.

Genetic Services Laboratory, University of Chicago
Classification: Benign. Last evaluated: 2013-02-08. Review status: criteria provided, single submitter. Criteria: ACMG Guidelines, 2007. Collection method: clinical testing. Allele origin: germline. Inheritance: Autosomal recessive inheritance.

Breakthrough Genomics
Classification: Benign. Review status: criteria provided, single submitter. Criteria: ACMG Guidelines, 2015. Collection method: not provided. Allele origin: germline. Inheritance: Autosomal recessive inheritance. Affected: yes.

PreventionGenetics, part of Exact Sciences
Classification: Benign. Review status: criteria provided, single submitter. Criteria: ACMG Guidelines, 2015. Collection method: clinical testing. Allele origin: germline.

NM_025265.4(TSEN2):c.162G>A (p.Ala54=)

Gene: TSEN2 (tRNA splicing endonuclease subunit 2; plus strand). Cytogenetic location: 3p25.2.
Variant type: single nucleotide variant.
Coding change: c.162G>A on transcript NM_025265.4 (MANE Select); coding-DNA position 162, G replaced by A.
Protein change: p.Ala54=; no amino-acid change (alanine 54 retained).
Molecular consequence: synonymous variant. On other transcripts: non-coding transcript variant (1).
Genome position (GRCh38, 1-based): chr3:12,489,962, G>A. VCF-style: chr3-12489962-G-A. GRCh37 (hg19) VCF-style: chr3-12531461-G-A.
Other names: p.A54A:GCG>GCA; c.162G>A, p.Ala54= (NM_001145392.2, NM_001145393.3, NM_001145394.2 and 3 more transcripts).
Identifiers: ClinVar variation 137753 (VCV000137753.18), dbSNP rs78685815, ClinGen allele CA173679.